The following is an entry in ClinVar:

ClinVar aggregate classification (germline): Uncertain significance. Review status: criteria provided, multiple submitters, no conflicts (2 of 4 stars). 2 submissions from 2 submitters: Uncertain significance (2). Last evaluated 2024-03-29.

Conditions:
Inborn genetic diseases. Identifiers: MedGen C0950123, MeSH D030342.

Allele frequency attached by ClinVar (database versions not stated): ExAC 0.00001; gnomAD exomes 0.00001 and 0.00002; gnomAD 0.00002 and 0.00003; TOPMed 0.00003.
gnomAD v4.1: 12 of 1,614,028 alleles (0.00074%); highest among the groups gnomAD compares: Admixed American, 0.02%; no homozygotes.

Submissions (2):

Ambry Genetics
Classification: Uncertain significance for Inborn genetic diseases. Last evaluated: 2024-03-29. Review status: criteria provided, single submitter. Criteria: Ambry Variant Classification Scheme 2023. Collection method: clinical testing. Allele origin: germline.

GeneDx
Classification: Uncertain significance. Last evaluated: 2023-12-04. Review status: criteria provided, single submitter. Criteria: GeneDx Variant Classification Process June 2021. Collection method: clinical testing. Allele origin: germline. Affected: yes.
Comment: In silico analysis supports that this missense variant does not alter protein structure/function; Has not been previously published as pathogenic or benign to our knowledge

NM_144991.3(TSPEAR):c.878G>A (p.Gly293Asp)

Gene: TSPEAR (thrombospondin type laminin G domain and EAR repeats; minus strand). Cytogenetic location: 21q22.3.
Variant type: single nucleotide variant.
Coding change: c.878G>A on transcript NM_144991.3 (MANE Select); coding-DNA position 878, G replaced by A.
Protein change: p.Gly293Asp; replaces glycine 293 with aspartic acid.
Molecular consequence: missense variant.
Genome position (GRCh38, 1-based): chr21:44,528,496, C>T on the plus strand (G>A on the coding strand, the complement: TSPEAR is on the minus strand). VCF-style: chr21-44528496-C-T. GRCh37 (hg19) VCF-style: chr21-45948379-C-T.
Other names: c.674G>A, p.Gly225Asp (NM_001272037.2); short protein forms G225D, G293D.
Identifiers: ClinVar variation 1678787 (VCV001678787.4), dbSNP rs782375611, ClinGen allele CA10056818.